The following is an entry in ClinVar:

ClinVar aggregate classification (germline): Likely benign (0 of 4 stars; one submission).

Conditions:
KSR2-related disorder. Also called: KSR2-related condition.

Submission:

PreventionGenetics, part of Exact Sciences
Classification: Likely benign for KSR2-related condition. Last evaluated: 2023-08-04. Review status: no assertion criteria provided. Collection method: clinical testing. Allele origin: germline.
Comment: This variant is classified as likely benign based on ACMG/AMP sequence variant interpretation guidelines (Richards et al. 2015 PMID: 25741868, with internal and published modifications).

NM_173598.6(KSR2):c.1578C>T (p.Ser526=)

Gene: KSR2 (kinase suppressor of ras 2; minus strand). Cytogenetic location: 12q24.22.
Variant type: single nucleotide variant.
Coding change: c.1578C>T on transcript NM_173598.6 (MANE Select); coding-DNA position 1578, C replaced by T.
Protein change: p.Ser526=; no amino-acid change (serine 526 retained).
Molecular consequence: synonymous variant.
Genome position (GRCh38, 1-based): chr12:117,539,828, G>A on the plus strand (C>T on the coding strand, the complement: KSR2 is on the minus strand). VCF-style: chr12-117539828-G-A. GRCh37 (hg19) VCF-style: chr12-117977633-G-A.
Identifiers: ClinVar variation 3349843 (VCV003349843.1).